The following is an entry in ClinVar:

NM_024675.4(PALB2):c.487_488del (p.Val163fs)

Gene: PALB2 (partner and localizer of BRCA2; minus strand). Cytogenetic location: 16p12.2.
Variant type: Microsatellite.
Coding change: c.487_488del on transcript NM_024675.4 (MANE Select); coding-DNA positions 487 to 488, 2 bases deleted (GT; older notation c.487_488delGT).
Protein change: p.Val163fs; shifts the reading frame from valine 163.
Molecular consequence: frameshift variant.
Genome position (GRCh38, 1-based): chr16:23,636,058-23,636,059, AC deleted on the plus strand (GT on the coding strand, the reverse complement: PALB2 is on the minus strand); deleting any 2 consecutive bases within chr16:23,636,058-23,636,062 gives the same sequence; the c. name uses the placement nearest the transcript's 3' end. VCF-style (leftmost placement, unchanged base first): chr16-23636057-GAC-G. GRCh37 (hg19) VCF-style: chr16-23647378-GAC-G.
Other names: c.487_488delGT (NM_024675.3); short protein forms V163fs.
Identifiers: ClinVar variation 265632 (VCV000265632.59), dbSNP rs745533713, ClinGen allele CA7963786.

ClinVar aggregate classification (germline): Pathogenic. Review status: criteria provided, multiple submitters, no conflicts (2 of 4 stars). 9 submissions from 9 submitters: Pathogenic (9). Last evaluated 2024-07-16.

Conditions:
Breast-ovarian cancer, familial, susceptibility to, 5 (BROVCA5). Identifiers: MedGen C5830615, MONDO:0957530, OMIM 620442.
Hereditary cancer-predisposing syndrome. Also called: Tumor predisposition; Hereditary Cancer Syndrome; Neoplastic Syndromes, Hereditary; Hereditary neoplastic syndrome. Identifiers: Orphanet 140162, MedGen C0027672, MeSH D009386, MONDO:0015356.
Familial cancer of breast. Also called: BREAST CANCER, FAMILIAL; Hereditary breast cancer; hereditary breast carcinoma. Identifiers: Orphanet 227535, MedGen C0346153, MONDO:0016419, OMIM 114480. Disease mechanism: loss of function.
Pancreatic cancer, susceptibility to, 3. Identifiers: Orphanet 1333, MedGen C3150547, MONDO:0013236, OMIM 613348.

Submissions (9):

Ambry Genetics
Classification: Pathogenic for Hereditary cancer-predisposing syndrome. Last evaluated: 2024-07-16. Review status: criteria provided, single submitter. Criteria: Ambry Variant Classification Scheme 2023. Collection method: clinical testing. Allele origin: germline.
Comment: The c.487_488delGT pathogenic mutation, located in coding exon 4 of the PALB2 gene, results from a deletion of two nucleotides at nucleotide positions 487 to 488, causing a translational frameshift with a predicted alternate stop codon (p.V163Lfs*4). This mutation has been identified in breast cancer patients from multiple cohorts (Schrader KA et al. JAMA Oncol. 2016 Jan;2(1):104-11; Decker B et al. J Med Genet. 2017 Nov;54(11):732-741; Girard E et al. Int J Cancer, 2019 04;144:1962-1974; Zanti M et al. Cancers (Basel), 2020 Oct;12; Dorling et al. N Engl J Med. 2021 02;384:428-439). This mutation has also been reported in a patient with pancreatic cancer (Macklin-Mantia SK et al. Hered Cancer Clin Pract, 2020 Aug;18:17) and a patient with squamous cell carcinoma of the lung (Huang KL et al. Cell, 2018 04;173:355-370.e14). In addition to the clinical data presented in the literature,this alteration is expected to result in loss of function by premature protein truncation or nonsense-mediated mRNA decay. As such, this alteration is interpreted as a disease-causing mutation.

Labcorp Genetics (formerly Invitae), Labcorp
Classification: Pathogenic for Familial cancer of breast. Last evaluated: 2024-06-13. Review status: criteria provided, single submitter. Criteria: Invitae Variant Classification Sherloc (09022015). Collection method: clinical testing. Allele origin: germline.
Comment: This sequence change creates a premature translational stop signal (p.Val163Leufs*4) in the PALB2 gene. It is expected to result in an absent or disrupted protein product. Loss-of-function variants in PALB2 are known to be pathogenic (PMID: 17200668, 17200671, 17200672, 24136930, 25099575). This variant is not present in population databases (gnomAD no frequency). This premature translational stop signal has been observed in individual(s) with breast cancer (PMID: 28779002). ClinVar contains an entry for this variant (Variation ID: 265632). For these reasons, this variant has been classified as Pathogenic.

Institute of Medical Genetics and Applied Genomics, University Hospital Tübingen
Classification: Pathogenic for Breast-ovarian cancer, familial, susceptibility to, 5. Last evaluated: 2024-01-18. Review status: criteria provided, single submitter. Criteria: ACMG Guidelines, 2015. Collection method: clinical testing. Allele origin: germline. Inheritance: Autosomal dominant inheritance. Affected: yes.

KCCC/NGS Laboratory, Kuwait Cancer Control Center
Classification: Pathogenic for Breast-ovarian cancer, familial, susceptibility to, 5. Last evaluated: 2023-11-13. Review status: criteria provided, single submitter. Criteria: ACMG Guidelines, 2015. Collection method: clinical testing. Allele origin: germline. Inheritance: Autosomal dominant inheritance. Affected: yes. Observed: 1 heterozygote.
Comment: A known pathogenic variants is detected on the PALB2 gene (c.487_488delGT). This sequence change creates a premature translational stop signal (p.Val163Leufs*4) in the PALB2 gene. It is expected to result in an absent or disrupted protein product. Loss-of-function variants in PALB2 are known to be pathogenic (PMID: 17200668, 17200671, 17200672, 24136930, 25099575). This variant is not present in population databases (gnomAD no frequency). This premature translational stop signal has been observed in individual(s) with breast cancer (PMID: 28779002). ClinVar contains an entry for this variant (Variation ID: 265632). Therefore, this variant has been classified as Pathogenic. Pathogenic/likely pathogenic variants in the PALB2 cause familial susceptibility to breast-ovarian cancer (OMIM# 620442). This variant has been confirmed by Sanger sequencing.

Myriad Genetics, Inc.
Classification: Pathogenic for Familial cancer of breast. Last evaluated: 2023-09-06. Review status: criteria provided, single submitter. Criteria: Myriad Autosomal Dominant, Autosomal Recessive and X-Linked Classification Criteria (2023). Collection method: clinical testing. Allele origin: unknown.
Comment: This variant is considered pathogenic. This variant creates a frameshift predicted to result in premature protein truncation.

Color Diagnostics, LLC DBA Color Health
Classification: Pathogenic for Hereditary cancer-predisposing syndrome. Last evaluated: 2022-03-23. Review status: criteria provided, single submitter. Criteria: ACMG Guidelines, 2015. Collection method: clinical testing. Allele origin: germline.
Comment: This variant deletes 2 nucleotides in exon 4 of the PALB2 gene, creating a frameshift and premature translation stop signal. This variant is expected to result in an absent or non-functional protein product. This variant has been reported in more than 10 individuals affected with breast cancer (PMID: 28779002, 33120919, 33471991, 34399810). This variant has been identified in 1/251450 chromosomes in the general population by the Genome Aggregation Database (gnomAD). Loss of PALB2 function is a known mechanism of disease. Based on the available evidence, this variant is classified as Pathogenic.

CeGaT Center for Human Genetics Tuebingen
Classification: Pathogenic. Last evaluated: 2022-02-01. Review status: criteria provided, single submitter. Criteria: CeGaT Center For Human Genetics Tuebingen Variant Classification Criteria Version 2. Collection method: clinical testing. Allele origin: germline. Affected: yes. Observed: 1 variant allele.

GeneDx
Classification: Pathogenic. Last evaluated: 2021-08-19. Review status: criteria provided, single submitter. Criteria: GeneDx Variant Classification Process June 2021. Collection method: clinical testing. Allele origin: germline. Affected: yes.
Comment: Frameshift variant predicted to result in protein truncation or nonsense mediated decay in a gene for which loss-of-function is a known mechanism of disease; Not observed at significant frequency in large population cohorts (Lek et al., 2016); This variant is associated with the following publications: (PMID: 26556299, 28779002, 29625052, 30303537, 27535533)

Genetics and Molecular Pathology, SA Pathology
Classification: Pathogenic for Pancreatic cancer, susceptibility to, 3. Last evaluated: 2021-02-11. Review status: criteria provided, single submitter. Criteria: ACMG Guidelines, 2015. Collection method: clinical testing. Allele origin: germline. Affected: yes.

Literature cited by the submitters: PubMed 29625052 (cited by Ambry Genetics); PubMed 30303537 (cited by Ambry Genetics); PubMed 32793315 (cited by Ambry Genetics); PubMed 33120919 (cited by Ambry Genetics and Color Diagnostics, LLC DBA Color Health); PubMed 33471991 (cited by Ambry Genetics and Color Diagnostics, LLC DBA Color Health); PubMed 17200668 (cited by Labcorp Genetics (formerly Invitae), Labcorp); PubMed 17200671 (cited by Labcorp Genetics (formerly Invitae), Labcorp); PubMed 17200672 (cited by Labcorp Genetics (formerly Invitae), Labcorp); PubMed 24136930 (cited by Labcorp Genetics (formerly Invitae), Labcorp); PubMed 25099575 (cited by Labcorp Genetics (formerly Invitae), Labcorp); PubMed 28779002 (cited by Labcorp Genetics (formerly Invitae), Labcorp and Color Diagnostics, LLC DBA Color Health); PubMed 34399810 (cited by Color Diagnostics, LLC DBA Color Health).